The following is an entry in ClinVar:

ClinVar aggregate classification (germline): Uncertain significance. Review status: criteria provided, multiple submitters, no conflicts (2 of 4 stars). 3 submissions from 3 submitters: Uncertain significance (3). Last evaluated 2026-03-27.

Conditions:
Dilated cardiomyopathy 1W (CMD1W). Identifiers: Orphanet 154, MedGen C1969639, MONDO:0012667, OMIM 611407.
Cardiovascular phenotype. Identifiers: MedGen CN230736.

Allele frequency attached by ClinVar (database versions not stated): TOPMed below 0.00001; gnomAD exomes below 0.00001.
gnomAD v4.1: 3 of 1,614,186 alleles (0.00019%); highest among the groups gnomAD compares: African/African-American, 0.0013%; no homozygotes.

Submissions (3):

Molecular Diagnostic Laboratory for Inherited Cardiovascular Disease, Montreal Heart Institute
Classification: Uncertain significance for Cardiovascular phenotype. Last evaluated: 2026-03-27. Review status: criteria provided, single submitter. Criteria: ACMG Guidelines, 2015. Collection method: clinical testing. Allele origin: germline. Affected: yes.
Comment: PM2

Ambry Genetics
Classification: Uncertain significance for Cardiovascular phenotype. Last evaluated: 2025-11-02. Review status: criteria provided, single submitter. Criteria: Ambry Variant Classification Scheme 2023. Collection method: clinical testing. Allele origin: germline.
Comment: The p.L473V variant (also known as c.1417C>G), located in coding exon 11 of the VCL gene, results from a C to G substitution at nucleotide position 1417. The leucine at codon 473 is replaced by valine, an amino acid with highly similar properties. This amino acid position is conserved. In addition, the in silico prediction for this alteration is inconclusive. Based on the available evidence, the clinical significance of this variant remains unclear.

Labcorp Genetics (formerly Invitae), Labcorp
Classification: Uncertain significance for Dilated cardiomyopathy 1W. Last evaluated: 2023-08-06. Review status: criteria provided, single submitter. Criteria: Invitae Variant Classification Sherloc (09022015). Collection method: clinical testing. Allele origin: germline.
Comment: This variant is present in population databases (no rsID available, gnomAD 0.0009%). This variant has not been reported in the literature in individuals affected with VCL-related conditions. ClinVar contains an entry for this variant (Variation ID: 1372463). An algorithm developed to predict the effect of missense changes on protein structure and function (PolyPhen-2) suggests that this variant is likely to be disruptive. In summary, the available evidence is currently insufficient to determine the role of this variant in disease. Therefore, it has been classified as a Variant of Uncertain Significance. This sequence change replaces leucine, which is neutral and non-polar, with valine, which is neutral and non-polar, at codon 473 of the VCL protein (p.Leu473Val).

NM_014000.3(VCL):c.1417C>G (p.Leu473Val)

Gene: VCL (vinculin; plus strand). Cytogenetic location: 10q22.2.
Variant type: single nucleotide variant.
Coding change: c.1417C>G on transcript NM_014000.3 (MANE Select); coding-DNA position 1417, C replaced by G.
Protein change: p.Leu473Val; replaces leucine 473 with valine.
Molecular consequence: missense variant.
Genome position (GRCh38, 1-based): chr10:74,094,335, C>G. VCF-style: chr10-74094335-C-G. GRCh37 (hg19) VCF-style: chr10-75854093-C-G.
Other names: c.1417C>G, p.Leu473Val (NM_003373.4); c.1417C>G (NM_014000.2); short protein forms L473V.
Identifiers: ClinVar variation 1372463 (VCV001372463.7), dbSNP rs1461179367, ClinGen allele CA377273769.
Genomic context (GRCh38, chr10:74,094,335, plus strand): 5'-AAAGGAGATTCTCCAGAGGCTCGAGCCTTGGCCAAACAGGTGGCCACGGCCCTGCAGAAC[C>G]TGCAGACCAAAACCAACCGGGCTGTGGCCAACAGCAGACCGGCCAAAGCAGCTGTACACC-3'
Protein context (NP_054706.1, residues 463-483): AKQVATALQN[Leu473Val]QTKTNRAVAN